The following is an entry in ClinVar:

NM_000350.3(ABCA4):c.2744-1G>T

Gene: ABCA4 (ATP binding cassette subfamily A member 4; minus strand). Cytogenetic location: 1p22.1.
Variant type: single nucleotide variant.
Coding change: c.2744-1G>T on transcript NM_000350.3 (MANE Select); the canonical splice acceptor site of the intron before coding-DNA position 2744, G replaced by T.
Molecular consequence: splice acceptor variant.
Genome position (GRCh38, 1-based): chr1:94,047,094, C>A on the plus strand (G>T on the coding strand, the complement: ABCA4 is on the minus strand). VCF-style: chr1-94047094-C-A. GRCh37 (hg19) VCF-style: chr1-94512650-C-A.
Identifiers: ClinVar variation 1066364 (VCV001066364.7), dbSNP rs2101057505, ClinGen allele CA341275634.

ClinVar aggregate classification (germline): Likely pathogenic (1 of 4 stars; one submission).

Submission:

Labcorp Genetics (formerly Invitae), Labcorp
Classification: Likely pathogenic. Last evaluated: 2020-08-21. Review status: criteria provided, single submitter. Criteria: Invitae Variant Classification Sherloc (09022015). Collection method: clinical testing. Allele origin: germline.
Comment: This sequence change affects an acceptor splice site in intron 18 of the ABCA4 gene. It is expected to disrupt RNA splicing and likely results in an absent or disrupted protein product. This variant is not present in population databases (ExAC no frequency). This variant has not been reported in the literature in individuals with ABCA4-related conditions. Algorithms developed to predict the effect of sequence changes on RNA splicing suggest that this variant may disrupt the consensus splice site, but this prediction has not been confirmed by published transcriptional studies. Donor and acceptor splice site variants typically lead to a loss of protein function (PMID: 16199547), and loss-of-function variants in ABCA4 are known to be pathogenic (PMID: 10958761, 24938718, 25312043, 26780318). In summary, the currently available evidence indicates that the variant is pathogenic, but additional data are needed to prove that conclusively. Therefore, this variant has been classified as Likely Pathogenic.

Literature cited by the submitters: PubMed 16199547; PubMed 10958761; PubMed 24938718; PubMed 25312043; PubMed 26780318.